The following is an entry in ClinVar:

ClinVar aggregate classification (germline): Conflicting classifications of pathogenicity. Review status: criteria provided, conflicting classifications (1 of 4 stars). 2 submissions from 2 submitters: Likely pathogenic (1); Uncertain significance (1). Last evaluated 2023-11-30.

Conditions:
Hypertrophic cardiomyopathy. Also called: HYPERTROPHIC MYOCARDIOPATHY. Identifiers: Orphanet 217569, MedGen C0007194, MeSH D002312, MONDO:0005045, HP:0001639.

Submissions (2):

All of Us Research Program, National Institutes of Health
Classification: Uncertain significance for Hypertrophic cardiomyopathy. Last evaluated: 2023-11-30. Review status: criteria provided, single submitter. Criteria: ACMG Guidelines, 2015. Collection method: clinical testing. Allele origin: germline. Inheritance: Autosomal dominant inheritance. Observed: 1 variant allele, 1 heterozygote.
Comment: This study involves interpretation of variants in research participants for the purpose of population health screening. Participant phenotype was not available at the time of variant classification. Additional details can be found in publication PMID: 35346344, PMCID: PMC8962531

Labcorp Genetics (formerly Invitae), Labcorp
Classification: Likely pathogenic for Hypertrophic cardiomyopathy. Last evaluated: 2023-09-26. Review status: criteria provided, single submitter. Criteria: Invitae Variant Classification Sherloc (09022015). Collection method: clinical testing. Allele origin: germline.
Comment: This sequence change affects a donor splice site in intron 5 of the MYBPC3 gene. It is expected to disrupt RNA splicing. Variants that disrupt the donor or acceptor splice site typically lead to a loss of protein function (PMID: 16199547), and loss-of-function variants in MYBPC3 are known to be pathogenic (PMID: 19574547). This variant is not present in population databases (gnomAD no frequency). Disruption of this splice site has been observed in individual(s) with hypertrophic cardiomyopathy (Invitae). ClinVar contains an entry for this variant (Variation ID: 1068267). In summary, the currently available evidence indicates that the variant is pathogenic, but additional data are needed to prove that conclusively. Therefore, this variant has been classified as Likely Pathogenic. Algorithms developed to predict the effect of sequence changes on RNA splicing suggest that this variant may disrupt the consensus splice site.

Literature cited by the submitters: PubMed 16199547 (cited by Labcorp Genetics (formerly Invitae), Labcorp); PubMed 19574547 (cited by Labcorp Genetics (formerly Invitae), Labcorp).

NM_000256.3(MYBPC3):c.654+2T>C

Gene: MYBPC3 (myosin binding protein C3; minus strand). Cytogenetic location: 11p11.2.
Variant type: single nucleotide variant.
Coding change: c.654+2T>C on transcript NM_000256.3 (MANE Select); the canonical splice donor site of the intron after coding-DNA position 654, T replaced by C.
Molecular consequence: splice donor variant.
Genome position (GRCh38, 1-based): chr11:47,349,772, A>G on the plus strand (T>C on the coding strand, the complement: MYBPC3 is on the minus strand). VCF-style: chr11-47349772-A-G. GRCh37 (hg19) VCF-style: chr11-47371323-A-G.
Identifiers: ClinVar variation 1068267 (VCV001068267.10), dbSNP rs2142867623, ClinGen allele CA380337089.